The following is an entry in ClinVar:

NM_001164508.2(NEB):c.6449C>T (p.Ala2150Val)

Gene: NEB (nebulin; minus strand). Cytogenetic location: 2q23.3.
Variant type: single nucleotide variant.
Coding change: c.6449C>T on transcript NM_001164508.2 (MANE Select); coding-DNA position 6449, C replaced by T.
Protein change: p.Ala2150Val; replaces alanine 2150 with valine.
Molecular consequence: missense variant.
Genome position (GRCh38, 1-based): chr2:151,656,199, G>A on the plus strand (C>T on the coding strand, the complement: NEB is on the minus strand). VCF-style: chr2-151656199-G-A. GRCh37 (hg19) VCF-style: chr2-152512713-G-A.
Other names: p.Ala2150Val; c.6449C>T, p.Ala2150Val (NM_001164507.2, NM_001271208.2, NM_004543.5); short protein forms A2150V.
Identifiers: ClinVar variation 257826 (VCV000257826.44), dbSNP rs375256600, ClinGen allele CA1910097.
Genomic context (GRCh38, chr2:151,656,199, plus strand): 5'-GAAGAAAGCCTTACATCACTCTGTATGCGATTCATATTCCTGGTCAGCTCAATGTTCATT[G>A]CATCTGGAAGGAGGATGTACTTGTGAATCAGGTGCTTGTAGTTAGTGTTGGTGATGTTGG-3'
Protein context (NP_001157980.2, residues 2140-2160): LIHKYILLPD[Ala2150Val]MNIELTRNMN

ClinVar aggregate classification (germline): Conflicting classifications of pathogenicity. Review status: criteria provided, conflicting classifications (1 of 4 stars). 8 submissions from 8 submitters: Uncertain significance (5); Likely benign (2). 1 of the submissions does not count toward it. Last evaluated 2026-01-14.

Conditions:
Inborn genetic diseases. Identifiers: MedGen C0950123, MeSH D030342.
Nemaline myopathy 2 (NEM2). Also called: Nemaline myopathy 2, autosomal recessive. Identifiers: MedGen C1850569, MONDO:0009725, OMIM 256030.

Allele frequency attached by ClinVar (database versions not stated): TOPMed 0.00003; gnomAD 0.00003.
gnomAD v4.1: 38 of 1,609,562 alleles (0.0024%); highest among the groups gnomAD compares: East Asian, 0.025%; 1 homozygote.

Submissions (8):

Labcorp Genetics (formerly Invitae), Labcorp
Classification: Likely benign for Nemaline myopathy 2. Last evaluated: 2026-01-14. Review status: criteria provided, single submitter. Criteria: Invitae Variant Classification Sherloc (09022015). Collection method: clinical testing. Allele origin: germline.

Ambry Genetics
Classification: Uncertain significance for Inborn genetic diseases. Last evaluated: 2025-12-11. Review status: criteria provided, single submitter. Criteria: Ambry Variant Classification Scheme 2023. Collection method: clinical testing. Allele origin: germline.

Mayo Clinic Laboratories, Mayo Clinic
Classification: Uncertain significance. Last evaluated: 2022-11-30. Review status: criteria provided, single submitter. Criteria: ACMG Guidelines, 2015. Collection method: clinical testing. Allele origin: germline. Observed: 1 variant allele.
Comment: BP4, PM2

CeGaT Center for Human Genetics Tuebingen
Classification: Uncertain significance. Last evaluated: 2022-07-01. Review status: criteria provided, single submitter. Criteria: CeGaT Center For Human Genetics Tuebingen Variant Classification Criteria Version 2. Collection method: clinical testing. Allele origin: germline. Affected: yes. Observed: 1 variant allele.
Comment: NEB: PM2:Supporting, BP4

GeneDx
Classification: Uncertain significance. Last evaluated: 2020-08-20. Review status: criteria provided, single submitter. Criteria: GeneDx Variant Classification Process June 2021. Collection method: clinical testing. Allele origin: germline. Affected: yes.
Comment: In silico analysis supports that this missense variant does not alter protein structure/function; Has not been previously published as pathogenic or benign to our knowledge

Illumina Laboratory Services, Illumina
Classification: Uncertain significance for Nemaline myopathy 2. Last evaluated: 2018-01-12. Review status: criteria provided, single submitter. Criteria: ICSL Variant Classification Criteria 13 December 2019. Collection method: clinical testing. Allele origin: germline.

PreventionGenetics, part of Exact Sciences
Classification: Likely benign. Review status: criteria provided, single submitter. Criteria: ACMG Guidelines, 2015. Collection method: clinical testing. Allele origin: germline.

Natera, Inc.
Classification: Uncertain significance for Nemaline myopathy type 2. Last evaluated: 2020-01-24. Review status: no assertion criteria provided. Collection method: clinical testing. Allele origin: germline. Not counted in ClinVar's aggregate classification.